The following is an entry in ClinVar:

ClinVar aggregate classification (germline): Uncertain significance (1 of 4 stars; one submission).

Conditions:
Intellectual developmental disorder, autosomal dominant 1. Also called: MBD5 Haploinsufficiency; Intellectual disability, autosomal dominant 1. Identifiers: Orphanet 228402, MedGen C1969562, MONDO:0007974, OMIM 156200.

Submission:

Labcorp Genetics (formerly Invitae), Labcorp
Classification: Uncertain significance for Intellectual developmental disorder, autosomal dominant 1. Last evaluated: 2024-02-16. Review status: criteria provided, single submitter. Criteria: Invitae Variant Classification Sherloc (09022015). Collection method: clinical testing. Allele origin: germline.
Comment: This sequence change replaces proline, which is neutral and non-polar, with serine, which is neutral and polar, at codon 753 of the MBD5 protein (p.Pro753Ser). This variant is not present in population databases (gnomAD no frequency). This variant has not been reported in the literature in individuals affected with MBD5-related conditions. Advanced modeling of protein sequence and biophysical properties (such as structural, functional, and spatial information, amino acid conservation, physicochemical variation, residue mobility, and thermodynamic stability) performed at Invitae indicates that this missense variant is not expected to disrupt MBD5 protein function with a negative predictive value of 80%. In summary, the available evidence is currently insufficient to determine the role of this variant in disease. Therefore, it has been classified as a Variant of Uncertain Significance.

NM_001378120.1(MBD5):c.2257C>T (p.Pro753Ser)

Gene: MBD5 (methyl-CpG binding domain protein 5; plus strand). Cytogenetic location: 2q23.1.
Variant type: single nucleotide variant.
Coding change: c.2257C>T on transcript NM_001378120.1 (MANE Select); coding-DNA position 2257, C replaced by T.
Protein change: p.Pro753Ser; replaces proline 753 with serine.
Molecular consequence: missense variant.
Genome position (GRCh38, 1-based): chr2:148,470,200, C>T. VCF-style: chr2-148470200-C-T. GRCh37 (hg19) VCF-style: chr2-149227769-C-T.
Other names: c.2257C>T, p.Pro753Ser (NM_018328.5); short protein forms P753S.
Identifiers: ClinVar variation 3639977 (VCV003639977.2).